The following is an entry in ClinVar:

ClinVar aggregate classification (germline): Conflicting classifications of pathogenicity. Review status: criteria provided, conflicting classifications (1 of 4 stars). 2 submissions from 2 submitters: Uncertain significance (1); Likely benign (1). Last evaluated 2023-06-02.

Conditions:
Hereditary cancer-predisposing syndrome. Also called: Hereditary Cancer Syndrome; Hereditary neoplastic syndrome; Neoplastic Syndromes, Hereditary; Tumor predisposition. Identifiers: Orphanet 140162, MedGen C0027672, MeSH D009386, MONDO:0015356.

Submissions (2):

Ambry Genetics
Classification: Uncertain significance for Hereditary cancer-predisposing syndrome. Last evaluated: 2023-06-02. Review status: criteria provided, single submitter. Criteria: Ambry Variant Classification Scheme 2023. Collection method: clinical testing. Allele origin: germline.
Comment: The p.K1453T variant (also known as c.4358A>C), located in coding exon 10 of the BRCA2 gene, results from an A to C substitution at nucleotide position 4358. The lysine at codon 1453 is replaced by threonine, an amino acid with similar properties. This amino acid position is not well conserved in available vertebrate species. In addition, this alteration is predicted to be tolerated by in silico analysis. Since supporting evidence is limited at this time, the clinical significance of this alteration remains unclear.

University of Washington Department of Laboratory Medicine, University of Washington
Classification: Likely benign for Hereditary cancer-predisposing syndrome. Last evaluated: 2023-03-23. Review status: criteria provided, single submitter. Criteria: Dines et al. (Genet Med. 2020). Collection method: curation. Allele origin: germline.
Comment: Missense variant in a coldspot region where missense variants are very unlikely to be pathogenic (PMID:31911673).

BRCA2 exon 11 coldspot. Reclassification based on statistical prior probability.

NM_000059.4(BRCA2):c.4358A>C (p.Lys1453Thr)

Gene: BRCA2 (BRCA2 DNA repair associated; plus strand). Cytogenetic location: 13q13.1.
Variant type: single nucleotide variant.
Coding change: c.4358A>C on transcript NM_000059.4 (MANE Select); coding-DNA position 4358, A replaced by C.
Protein change: p.Lys1453Thr; replaces lysine 1453 with threonine.
Molecular consequence: missense variant.
Genome position (GRCh38, 1-based): chr13:32,338,713, A>C. VCF-style: chr13-32338713-A-C. GRCh37 (hg19) VCF-style: chr13-32912850-A-C.
Other names: c.4358A>C, p.Lys1453Thr (NM_001406719.1, NM_001406720.1); short protein forms K1453T.
Identifiers: ClinVar variation 1739971 (VCV001739971.5), dbSNP rs2072502303, ClinGen allele CA387780954.
Genomic context (GRCh38, chr13:32,338,713, plus strand): 5'-GGAAAAATATTAGTGTCGCCAAAGAGTCATTTAATAAAATTGTAAATTTCTTTGATCAGA[A>C]ACCAGAAGAATTGCATAACTTTTCCTTAAATTCTGAATTACATTCTGACATAAGAAAGAA-3'
Protein context (NP_000050.3, residues 1443-1463): FNKIVNFFDQ[Lys1453Thr]PEELHNFSLN